The following is an entry in ClinVar:

NM_000548.5(TSC2):c.5150T>G (p.Leu1717Arg)

Gene: TSC2 (TSC complex subunit 2; plus strand). Cytogenetic location: 16p13.3.
Variant type: single nucleotide variant.
Coding change: c.5150T>G on transcript NM_000548.5 (MANE Select); coding-DNA position 5150, T replaced by G.
Protein change: p.Leu1717Arg; replaces leucine 1717 with arginine.
Molecular consequence: missense variant.
Genome position (GRCh38, 1-based): chr16:2,088,129, T>G. VCF-style: chr16-2088129-T-G. GRCh37 (hg19) VCF-style: chr16-2138130-T-G.
Other names: c.4805T>G, p.Leu1602Arg (NM_001318829.2); c.4418T>G, p.Leu1473Arg (NM_001318831.2); c.4982T>G, p.Leu1661Arg (NM_001318832.2); c.4952T>G, p.Leu1651Arg (NM_001363528.2); c.4949T>G, p.Leu1650Arg (NM_001077183.3); c.5081T>G, p.Leu1694Arg (NM_001114382.3); c.4841T>G, p.Leu1614Arg (NM_001318827.2); c.5018T>G, p.Leu1673Arg (NM_001370404.1); and 1 more; short protein forms L1717R, L1650R, L1473R, L1661R, L1674R, L1694R, L1602R, L1673R.
Identifiers: ClinVar variation 568630 (VCV000568630.1), dbSNP rs45517398, ClinGen allele CA394312625.

ClinVar aggregate classification (germline): Uncertain significance (1 of 4 stars; one submission).

Conditions:
Tuberous sclerosis 2 (TSC2). Identifiers: Orphanet 805, MedGen C1860707, MONDO:0013199, OMIM 613254.

Submission:

Labcorp Genetics (formerly Invitae), Labcorp
Classification: Uncertain significance for Tuberous sclerosis 2. Last evaluated: 2018-02-16. Review status: criteria provided, single submitter. Criteria: Invitae Variant Classification Sherloc (09022015). Collection method: clinical testing. Allele origin: germline.
Comment: This sequence change replaces leucine with arginine at codon 1717 of the TSC2 protein (p.Leu1717Arg). The leucine residue is highly conserved and there is a moderate physicochemical difference between leucine and arginine. This variant is not present in population databases (ExAC no frequency). This variant has been reported in individuals in theÂ¬â€ Leiden Open-source Variation Database (PMID: 21520333). Algorithms developed to predict the effect of missense changes on protein structure and function do not agree on the potential impact of this missense change (SIFT: "Deleterious"; PolyPhen-2: "Probably Damaging"; Align-GVGD: "Class C0"). A different missense substitution at this codon (p.Leu1717Pro) has been reported in individuals affected with tuberous sclerosis (PMID: 16981987, 15798777, 21520333). In summary, the available evidence is currently insufficient to determine the role of this variant in disease. Therefore, it has been classified as a Variant of Uncertain Significance.

Literature cited by the submitters: PubMed 15798777; PubMed 16981987; PubMed 21520333.